The following is an entry in ClinVar:

NM_005045.4(RELN):c.994A>G (p.Asn332Asp)

Gene: RELN (reelin; minus strand). Cytogenetic location: 7q22.1.
Variant type: single nucleotide variant.
Coding change: c.994A>G on transcript NM_005045.4 (MANE Select); coding-DNA position 994, A replaced by G.
Protein change: p.Asn332Asp; replaces asparagine 332 with aspartic acid.
Molecular consequence: missense variant.
Genome position (GRCh38, 1-based): chr7:103,698,002, T>C on the plus strand (A>G on the coding strand, the complement: RELN is on the minus strand). VCF-style: chr7-103698002-T-C. GRCh37 (hg19) VCF-style: chr7-103338449-T-C.
Other names: c.994A>G, p.Asn332Asp (NM_173054.3); short protein forms N332D.
Identifiers: ClinVar variation 2942909 (VCV002942909.3), dbSNP rs2484931959, ClinGen allele CA368927717.

ClinVar aggregate classification (germline): Uncertain significance (1 of 4 stars; one submission).

Conditions:
Familial temporal lobe epilepsy 7. Identifiers: Orphanet 101046, MedGen C4225327, MONDO:0014639, OMIM 616436.
Norman-Roberts syndrome (LIS2). Also called: Lissencephaly 2 (Norman-Roberts type). Identifiers: Orphanet 89844, MedGen C0796089, MONDO:0009760, OMIM 257320.

Submission:

Labcorp Genetics (formerly Invitae), Labcorp
Classification: Uncertain significance for Familial temporal lobe epilepsy 7; Norman-Roberts syndrome. Last evaluated: 2024-03-04. Review status: criteria provided, single submitter. Criteria: Invitae Variant Classification Sherloc (09022015). Collection method: clinical testing. Allele origin: germline.
Comment: This sequence change replaces asparagine, which is neutral and polar, with aspartic acid, which is acidic and polar, at codon 332 of the RELN protein (p.Asn332Asp). This variant is not present in population databases (gnomAD no frequency). This variant has not been reported in the literature in individuals affected with RELN-related conditions. Advanced modeling of protein sequence and biophysical properties (such as structural, functional, and spatial information, amino acid conservation, physicochemical variation, residue mobility, and thermodynamic stability) performed at Invitae indicates that this missense variant is not expected to disrupt RELN protein function with a negative predictive value of 80%. In summary, the available evidence is currently insufficient to determine the role of this variant in disease. Therefore, it has been classified as a Variant of Uncertain Significance.